The following is an entry in ClinVar:

NM_006031.6(PCNT):c.505_506insATGGGATGTTCACAGTCAGTGACCACCCACCAGAACAGCGTGGGATGTTCACAGTCAGTGACCACCCACCGGAACAGC (p.Gln168_Arg169insHisGlyMetPheThrValSerAspHisProProGluGlnArgGlyMetPheThrValSerAspHisProProGluGln)

Gene: PCNT (pericentrin; plus strand). Cytogenetic location: 21q22.3.
Variant type: Insertion.
Coding change: c.505_506insATGGGATGTTCACAGTCAGTGACCACCCACCAGAACAGCGTGGGATGTTCACAGTCAGTGACCACCCACCGGAACAGC on transcript NM_006031.6 (MANE Select); coding-DNA positions 505 to 506, ATGGGATGTTCACAGTCAGTGACCACCCACCAGAACAGCGTGGGATGTTCACAGTCAGTGACCACCCACCGGAACAGC inserted.
Protein change: p.Gln168_Arg169insHisGlyMetPheThrValSerAspHisProProGluGlnArgGlyMetPheThrValSerAspHisProProGluGln.
Molecular consequence: inframe insertion.
Genome position: GRCh38: chr21:46,334,634-46,334,635. GRCh37 (hg19): chr21:47,754,548-47,754,549.
Other names: c.151_152insATGGGATGTTCACAGTCAGTGACCACCCACCAGAACAGCGTGGGATGTTCACAGTCAGTGACCACCCACCGGAACAGC, p.Gln50_Arg51insHisGlyMetPheThrValSerAspHisProProGluGlnArgGlyMetPheThrValSerAspHisProProGluGln (NM_001315529.2).
Identifiers: ClinVar variation 1434795 (VCV001434795.5), dbSNP rs1569163275, ClinGen allele CA2573157743.

ClinVar aggregate classification (germline): Uncertain significance (1 of 4 stars; one submission).

Submission:

Labcorp Genetics (formerly Invitae), Labcorp
Classification: Uncertain significance. Last evaluated: 2024-10-24. Review status: criteria provided, single submitter. Criteria: Invitae Variant Classification Sherloc (09022015). Collection method: clinical testing. Allele origin: germline.
Comment: This variant, c.505_506ins78, results in the insertion of 26 amino acid(s) of the PCNT protein (p.Gln168_Arg169ins26), but otherwise preserves the integrity of the reading frame. This variant is not present in population databases (gnomAD no frequency). This variant has not been reported in the literature in individuals affected with PCNT-related conditions. ClinVar contains an entry for this variant (Variation ID: 1434795). In summary, the available evidence is currently insufficient to determine the role of this variant in disease. Therefore, it has been classified as a Variant of Uncertain Significance.